The following is an entry in ClinVar:

NM_031407.7(HUWE1):c.5060G>A (p.Arg1687Gln)

Gene: HUWE1 (HECT, UBA and WWE domain containing E3 ubiquitin protein ligase 1; minus strand). Cytogenetic location: Xp11.22.
Variant type: single nucleotide variant.
Coding change: c.5060G>A on transcript NM_031407.7 (MANE Select); coding-DNA position 5060, G replaced by A.
Protein change: p.Arg1687Gln; replaces arginine 1687 with glutamine.
Molecular consequence: missense variant.
Genome position (GRCh38, 1-based): chrX:53,584,287, C>T on the plus strand (G>A on the coding strand, the complement: HUWE1 is on the minus strand). VCF-style: chrX-53584287-C-T. GRCh37 (hg19) VCF-style: chrX-53611247-C-T.
Other names: short protein forms R1687Q.
Identifiers: ClinVar variation 1745106 (VCV001745106.7), dbSNP rs372900599, ClinGen allele CA10422300.

ClinVar aggregate classification (germline): Uncertain significance. Review status: criteria provided, multiple submitters, no conflicts (2 of 4 stars). 2 submissions from 2 submitters: Uncertain significance (2). Last evaluated 2024-04-20.

Conditions:
Inborn genetic diseases. Identifiers: MedGen C0950123, MeSH D030342.

Allele frequency attached by ClinVar (database versions not stated): gnomAD exomes below 0.00001; ExAC 0.00002; ESP Exome Variant Server 0.00009; TOPMed 0.00001; gnomAD 0.00002.
gnomAD v4.1: 6 of 1,204,541 alleles (0.0005%); highest among the groups gnomAD compares: Admixed American, 0.0044%; no homozygotes.

Submissions (2):

Labcorp Genetics (formerly Invitae), Labcorp
Classification: Uncertain significance. Last evaluated: 2024-04-20. Review status: criteria provided, single submitter. Criteria: Invitae Variant Classification Sherloc (09022015). Collection method: clinical testing. Allele origin: germline.
Comment: This sequence change replaces arginine, which is basic and polar, with glutamine, which is neutral and polar, at codon 1687 of the HUWE1 protein (p.Arg1687Gln). This variant is present in population databases (rs372900599, gnomAD 0.008%), including at least one homozygous and/or hemizygous individual. This variant has not been reported in the literature in individuals affected with HUWE1-related conditions. ClinVar contains an entry for this variant (Variation ID: 1745106). Advanced modeling of protein sequence and biophysical properties (such as structural, functional, and spatial information, amino acid conservation, physicochemical variation, residue mobility, and thermodynamic stability) has been performed at Invitae for this missense variant, however the output from this modeling did not meet the statistical confidence thresholds required to predict the impact of this variant on HUWE1 protein function. In summary, the available evidence is currently insufficient to determine the role of this variant in disease. Therefore, it has been classified as a Variant of Uncertain Significance.

Ambry Genetics
Classification: Uncertain significance for Inborn genetic diseases. Last evaluated: 2018-06-06. Review status: criteria provided, single submitter. Criteria: Ambry Variant Classification Scheme 2023. Collection method: clinical testing. Allele origin: germline.
Comment: The p.R1687Q variant (also known as c.5060G>A), located in coding exon 38 of the HUWE1 gene, results from a G to A substitution at nucleotide position 5060. The arginine at codon 1687 is replaced by glutamine, an amino acid with highly similar properties. This amino acid position is highly conserved in available vertebrate species. In addition, this alteration is predicted to be tolerated by in silico analysis. Since supporting evidence is limited at this time, the clinical significance of this alteration remains unclear.